The following is an entry in ClinVar:

ClinVar aggregate classification (germline): Uncertain significance (1 of 4 stars; one submission).

Submission:

Ambry Genetics
Classification: Uncertain significance. Last evaluated: 2024-03-12. Review status: criteria provided, single submitter. Criteria: Ambry Variant Classification Scheme 2023. Collection method: clinical testing. Allele origin: germline.
Comment: The c.1094C>T (p.A365V) alteration is located in exon (coding exon ) of the SH3RF3 gene. This alteration results from a C to T substitution at nucleotide position 1094, causing the alanine (A) at amino acid position 365 to be replaced by a valine (V). Based on insufficient or conflicting evidence, the clinical significance of this alteration remains unclear.

NM_001099289.3(SH3RF3):c.1094C>T (p.Ala365Val)

Genes: RANBP2 (RAN binding protein 2; plus strand), SH3RF3 (SH3 domain containing ring finger 3; plus strand). Cytogenetic location: 2q13.
Variant type: single nucleotide variant.
Coding change: c.1094C>T on transcript NM_001099289.3 (MANE Select); coding-DNA position 1094, C replaced by T.
Protein change: p.Ala365Val; replaces alanine 365 with valine.
Molecular consequence: missense variant.
Genome position (GRCh38, 1-based): chr2:109,398,738, C>T. VCF-style: chr2-109398738-C-T. GRCh37 (hg19) VCF-style: chr2-110015194-C-T.
Other names: short protein forms A365V.
Identifiers: ClinVar variation 3161405 (VCV003161405.1), dbSNP rs2467057745, ClinGen allele CA348057921.
Genomic context (GRCh38, chr2:109,398,738, plus strand): 5'-CCGGCGCTGTGGCCAGCGTGGCCCCAAGTCCCACTTTAAGCAGCTCAGGGGCGGTCAGTG[C>T]CTTTCAGCGGCGTGTGGATGGCAAGAAGAACACCAAGAAACGCCACTCCTTCACCGCGCT-3'
Protein context (NP_001092759.1, residues 355-375): PTLSSSGAVS[Ala365Val]FQRRVDGKKN